The following is an entry in ClinVar:

NM_014871.6(PAN2):c.1108del (p.Arg370fs)

Gene: PAN2 (poly(A) specific ribonuclease subunit PAN2; minus strand). Cytogenetic location: 12q13.3.
Variant type: Deletion.
Coding change: c.1108del on transcript NM_014871.6 (MANE Select); coding-DNA position 1108, one base deleted (C; older notation c.1108delC).
Protein change: p.Arg370fs; shifts the reading frame from arginine 370.
Molecular consequence: frameshift variant.
Genome position (GRCh38, 1-based): chr12:56,326,771, G deleted on the plus strand (C on the coding strand, the reverse complement: PAN2 is on the minus strand); the first of 3 consecutive G bases (chr12:56,326,771-56,326,773); deleting any one gives the same sequence. VCF-style (leftmost placement, unchanged base first): chr12-56326770-CG-C. GRCh37 (hg19) VCF-style: chr12-56720554-CG-C.
Other names: c.1108del, p.Arg370fs (NM_001127460.4, NM_001166279.3, NM_001394699.1 and 8 more transcripts); c.691del, p.Arg231fs (NM_001394708.1); short protein forms R231fs, R370fs.
Identifiers: ClinVar variation 3349435 (VCV003349435.1).
Genomic context (GRCh38, chr12:56,326,770, plus strand): 5'-TGGCTCCAGTCCAGAGGAGGCAGTGAGTCCACGAGACACGGCAAAGCAAACTCAGTCTCA[CG>C]GGAGTAGGGGTTGAAGGAAGGCTCCGGGGAATCAGTCCAGAGGTGCACACAGCCCTCAGA-3'

ClinVar aggregate classification (germline): Uncertain significance (0 of 4 stars; one submission).

Conditions:
PAN2-related disorder. Also called: PAN2-related condition.

Submission:

PreventionGenetics, part of Exact Sciences
Classification: Uncertain significance for PAN2-related condition. Last evaluated: 2024-03-22. Review status: no assertion criteria provided. Collection method: clinical testing. Allele origin: germline.
Comment: The PAN2 c.1108delC variant is predicted to result in a frameshift and premature protein termination (p.Arg370Valfs*65). To our knowledge, this variant has not been reported in the literature or in a large population database, indicating this variant is rare. While a few different loss of function variants in PAN2 have been reported in individuals with neurodevelopmental disorders (Reuter et al. 2022. PubMed ID: 35304602), loss of function is not an established mechanism of disease. At this time, the clinical significance of this variant is uncertain due to the absence of conclusive functional and genetic evidence.